The following is an entry in ClinVar:

NM_001135146.2(SLC39A8):c.824G>T (p.Ser275Ile)

Gene: SLC39A8 (solute carrier family 39 member 8; minus strand). Cytogenetic location: 4q24.
Variant type: single nucleotide variant.
Coding change: c.824G>T on transcript NM_001135146.2 (MANE Select); coding-DNA position 824, G replaced by T.
Protein change: p.Ser275Ile; replaces serine 275 with isoleucine.
Molecular consequence: missense variant.
Genome position (GRCh38, 1-based): chr4:102,304,333, C>A on the plus strand (G>T on the coding strand, the complement: SLC39A8 is on the minus strand). VCF-style: chr4-102304333-C-A. GRCh37 (hg19) VCF-style: chr4-103225490-C-A.
Other names: c.824G>T, p.Ser275Ile (NM_001135147.1, NM_022154.5); c.623G>T, p.Ser208Ile (NM_001135148.2); short protein forms S208I, S275I.
Identifiers: ClinVar variation 2069194 (VCV002069194.5), dbSNP rs746300038, ClinGen allele CA3025579.

ClinVar aggregate classification (germline): Uncertain significance. Review status: criteria provided, multiple submitters, no conflicts (2 of 4 stars). 3 submissions from 3 submitters: Uncertain significance (3). Last evaluated 2024-11-20.

Conditions:
Inborn genetic diseases. Identifiers: MedGen C0950123, MeSH D030342.

Allele frequency attached by ClinVar (database versions not stated): ExAC 0.00002; gnomAD 0.00003; gnomAD exomes 0.00005; TOPMed 0.00007.
gnomAD v4.1: 78 of 1,610,508 alleles (0.0048%); highest among the groups gnomAD compares: Non-Finnish European, 0.0061%; no homozygotes.

Submissions (3):

Ambry Genetics
Classification: Uncertain significance for Inborn genetic diseases. Last evaluated: 2024-11-20. Review status: criteria provided, single submitter. Criteria: Ambry Variant Classification Scheme 2023. Collection method: clinical testing. Allele origin: germline.

Labcorp Genetics (formerly Invitae), Labcorp
Classification: Uncertain significance. Last evaluated: 2024-02-24. Review status: criteria provided, single submitter. Criteria: Invitae Variant Classification Sherloc (09022015). Collection method: clinical testing. Allele origin: germline.
Comment: This sequence change replaces serine, which is neutral and polar, with isoleucine, which is neutral and non-polar, at codon 275 of the SLC39A8 protein (p.Ser275Ile). This variant is present in population databases (rs746300038, gnomAD 0.009%). This variant has not been reported in the literature in individuals affected with SLC39A8-related conditions. ClinVar contains an entry for this variant (Variation ID: 2069194). An algorithm developed to predict the effect of missense changes on protein structure and function (PolyPhen-2) suggests that this variant is likely to be disruptive. In summary, the available evidence is currently insufficient to determine the role of this variant in disease. Therefore, it has been classified as a Variant of Uncertain Significance.

Blueprint Genetics
Classification: Uncertain significance. Last evaluated: 2021-03-02. Review status: criteria provided, single submitter. Criteria: ACMG Guidelines, 2015. Collection method: clinical testing. Allele origin: germline.